The following is an entry in ClinVar:

ClinVar aggregate classification (germline): Uncertain significance (1 of 4 stars; one submission).

Submission:

Labcorp Genetics (formerly Invitae), Labcorp
Classification: Uncertain significance. Last evaluated: 2022-09-22. Review status: criteria provided, single submitter. Criteria: Invitae Variant Classification Sherloc (09022015). Collection method: clinical testing. Allele origin: germline.
Comment: This sequence change replaces leucine, which is neutral and non-polar, with phenylalanine, which is neutral and non-polar, at codon 260 of the KARS protein (p.Leu260Phe). This variant is not present in population databases (gnomAD no frequency). This missense change has been observed in individual(s) with clinical features of KARS-related conditions (Invitae). Advanced modeling of protein sequence and biophysical properties (such as structural, functional, and spatial information, amino acid conservation, physicochemical variation, residue mobility, and thermodynamic stability) performed at Invitae indicates that this missense variant is expected to disrupt KARS protein function. In summary, the available evidence is currently insufficient to determine the role of this variant in disease. Therefore, it has been classified as a Variant of Uncertain Significance.

NM_005548.3(KARS1):c.696G>C (p.Leu232Phe)

Gene: KARS1 (lysyl-tRNA synthetase 1; minus strand). Cytogenetic location: 16q23.1.
Variant type: single nucleotide variant.
Coding change: c.696G>C on transcript NM_005548.3 (MANE Select); coding-DNA position 696, G replaced by C.
Protein change: p.Leu232Phe; replaces leucine 232 with phenylalanine.
Molecular consequence: missense variant.
Genome position (GRCh38, 1-based): chr16:75,635,779, C>G on the plus strand (G>C on the coding strand, the complement: KARS1 is on the minus strand). VCF-style: chr16-75635779-C-G. GRCh37 (hg19) VCF-style: chr16-75669677-C-G.
Other names: c.780G>C, p.Leu260Phe (NM_001130089.2); c.228G>C, p.Leu76Phe (NM_001378148.1); short protein forms L260F, L232F, L76F.
Identifiers: ClinVar variation 2001183 (VCV002001183.4), dbSNP rs2507568461, ClinGen allele CA396813540.
Genomic context (GRCh38, chr16:75,635,779, plus strand): 5'-TGTGATGATCTTAGAGCGGATGATAAATTTCTGCCTCACAAAGTCATTCAGGATCAAGTC[C>G]AAGTATCTCTGGCGATACCTTGTTTCCTAAACCAAAAGCAGCAGTTAGAAATCACTGGTA-3'
Protein context (NP_005539.1, residues 222-242): DKETRYRQRY[Leu232Phe]DLILNDFVRQ